The following is an entry in ClinVar:

ClinVar aggregate classification (germline): Uncertain significance (1 of 4 stars; one submission).

Conditions:
Hereditary cancer-predisposing syndrome. Also called: Neoplastic Syndromes, Hereditary; Tumor predisposition; Hereditary Cancer Syndrome; Hereditary neoplastic syndrome. Identifiers: Orphanet 140162, MedGen C0027672, MeSH D009386, MONDO:0015356.

Submission:

Ambry Genetics
Classification: Uncertain significance for Hereditary cancer-predisposing syndrome. Last evaluated: 2026-02-13. Review status: criteria provided, single submitter. Criteria: Ambry Variant Classification Scheme 2023. Collection method: clinical testing. Allele origin: germline.
Comment: The p.H427Q variant (also known as c.1281T>G), located in coding exon 10 of the SUFU gene, results from a T to G substitution at nucleotide position 1281. The histidine at codon 427 is replaced by glutamine, an amino acid with highly similar properties. This amino acid position is highly conserved in available vertebrate species. In addition, this alteration is predicted to be tolerated by in silico analysis. Based on the available evidence, the clinical significance of this variant remains unclear.

NM_016169.4(SUFU):c.1281T>G (p.His427Gln)

Gene: SUFU (SUFU negative regulator of hedgehog signaling; plus strand). Cytogenetic location: 10q24.32.
Variant type: single nucleotide variant.
Coding change: c.1281T>G on transcript NM_016169.4 (MANE Select); coding-DNA position 1281, T replaced by G.
Protein change: p.His427Gln; replaces histidine 427 with glutamine.
Molecular consequence: missense variant.
Genome position (GRCh38, 1-based): chr10:102,617,413, T>G. VCF-style: chr10-102617413-T-G. GRCh37 (hg19) VCF-style: chr10-104377170-T-G.
Other names: c.1281T>G, p.His427Gln (NM_001178133.2); short protein forms H427Q.
Identifiers: ClinVar variation 4824957 (VCV004824957.1).